The following is an entry in ClinVar:

ClinVar aggregate classification (germline): Uncertain significance (1 of 4 stars; one submission).

Submission:

Labcorp Genetics (formerly Invitae), Labcorp
Classification: Uncertain significance. Last evaluated: 2025-06-04. Review status: criteria provided, single submitter. Criteria: Invitae Variant Classification Sherloc (09022015). Collection method: clinical testing. Allele origin: germline.
Comment: This sequence change replaces proline, which is neutral and non-polar, with threonine, which is neutral and polar, at codon 542 of the SZT2 protein (p.Pro542Thr). This variant is not present in population databases (gnomAD no frequency). This variant has not been reported in the literature in individuals affected with SZT2-related conditions. ClinVar contains an entry for this variant (Variation ID: 1713781). An algorithm developed to predict the effect of missense changes on protein structure and function (PolyPhen-2) suggests that this variant is likely to be disruptive. In summary, the available evidence is currently insufficient to determine the role of this variant in disease. Therefore, it has been classified as a Variant of Uncertain Significance.

NM_001365999.1(SZT2):c.1624C>A (p.Pro542Thr)

Gene: SZT2 (SZT2 subunit of KICSTOR complex; plus strand). Cytogenetic location: 1p34.2.
Variant type: single nucleotide variant.
Coding change: c.1624C>A on transcript NM_001365999.1 (MANE Select); coding-DNA position 1624, C replaced by A.
Protein change: p.Pro542Thr; replaces proline 542 with threonine.
Molecular consequence: missense variant.
Genome position (GRCh38, 1-based): chr1:43,421,301, C>A. VCF-style: chr1-43421301-C-A. GRCh37 (hg19) VCF-style: chr1-43886972-C-A.
Other names: c.1624C>A, p.Pro542Thr (NM_015284.4); short protein forms P542T.
Identifiers: ClinVar variation 1713781 (VCV001713781.5), dbSNP rs2545803657, ClinGen allele CA340008398.